The following is an entry in ClinVar:

NM_004183.4(BEST1):c.906T>A (p.Asp302Glu)

Gene: BEST1 (bestrophin 1; plus strand). Cytogenetic location: 11q12.3.
Variant type: single nucleotide variant.
Coding change: c.906T>A on transcript NM_004183.4 (MANE Select); coding-DNA position 906, T replaced by A.
Protein change: p.Asp302Glu; replaces aspartic acid 302 with glutamic acid.
Molecular consequence: missense variant. On other transcripts: non-coding transcript variant (1), intron variant (1).
Genome position (GRCh38, 1-based): chr11:61,959,536, T>A. VCF-style: chr11-61959536-T-A. GRCh37 (hg19) VCF-style: chr11-61727008-T-A.
Other names: c.726T>A, p.Asp242Glu (NM_001139443.3, NM_001300787.2); c.588T>A, p.Asp196Glu (NM_001363591.3); c.1109T>A, p.Met370Lys (NM_001363592.2); c.-67T>A (NM_001363593.3); c.688-356T>A (NM_001300786.2); short protein forms D302E, D196E, M370K, D242E.
Identifiers: ClinVar variation 1511867 (VCV001511867.10), dbSNP rs2134453407, ClinGen allele CA380843892.

ClinVar aggregate classification (germline): Likely pathogenic. Review status: criteria provided, multiple submitters, no conflicts (2 of 4 stars). 3 submissions from 3 submitters: Likely pathogenic (3). Last evaluated 2025-12-13.

Conditions:
BEST1-related disorder. Also called: BEST1-related disorders; BEST1-related condition. Identifiers: MedGen CN239200.

Allele frequency attached by ClinVar (database versions not stated): gnomAD exomes below 0.00001.

Submissions (3):

3billion
Classification: Likely pathogenic for BEST1-related disorder. Last evaluated: 2025-12-13. Review status: criteria provided, single submitter. Criteria: ACMG Guidelines, 2015. Collection method: clinical testing. Allele origin: germline. Affected: yes.
Comment: The variant is observed at an extremely low frequency in the gnomAD v4.1.0 dataset (total allele frequency: <0.001%). Predicted Consequence/Location: The variant is located in a mutational hot spot and/or well-established functional domain in which established pathogenic variants have been reported. In silico tool predictions suggest damaging effect of the variant on gene or gene product [REVEL: 0.81 (>=0.6, sensitivity 0.68 and specificity 0.92); 3Cnet: 0.99 (> 0.75, sensitivity 0.96 and precision 0.92)]. The same nucleotide change resulting in the same amino acid change has been previously reported to be associated with BEST1-related disorder (ClinVar ID: VCV001511867). Different missense changes at the same codon (p.Asp302Ala, p.Asp302Asn, p.Asp302Gly, p.Asp302His, p.Asp302Val) have been reported as pathogenic/likely pathogenic with strong evidence (ClinVar ID: VCV000099774, VCV000099775, VCV000099776, VCV000636001, VCV000636002 /PMID: 10798642, 12324875, 22633354). Therefore, this variant is classified as Likely pathogenic according to the recommendation of ACMG/AMP guideline.

Labcorp Genetics (formerly Invitae), Labcorp
Classification: Likely pathogenic. Last evaluated: 2025-09-04. Review status: criteria provided, single submitter. Criteria: Invitae Variant Classification Sherloc (09022015). Collection method: clinical testing. Allele origin: germline.
Comment: This sequence change replaces aspartic acid, which is acidic and polar, with glutamic acid, which is acidic and polar, at codon 302 of the BEST1 protein (p.Asp302Glu). This variant is not present in population databases (gnomAD no frequency). This variant has not been reported in the literature in individuals affected with BEST1-related conditions. ClinVar contains an entry for this variant (Variation ID: 1511867). Invitae Evidence Modeling of protein sequence and biophysical properties (such as structural, functional, and spatial information, amino acid conservation, physicochemical variation, residue mobility, and thermodynamic stability) indicates that this missense variant is expected to disrupt BEST1 protein function with a positive predictive value of 95%. This variant disrupts the p.Asp302 amino acid residue in BEST1. Other variant(s) that disrupt this residue have been determined to be pathogenic (PMID: 21269699, 28559085). This suggests that this residue is clinically significant, and that variants that disrupt this residue are likely to be disease-causing. In summary, the currently available evidence indicates that the variant is pathogenic, but additional data are needed to prove that conclusively. Therefore, this variant has been classified as Likely Pathogenic.

Blueprint Genetics
Classification: Likely pathogenic for BEST1-related disorders. Last evaluated: 2024-04-25. Review status: criteria provided, single submitter. Criteria: ACMG Guidelines, 2015. Collection method: clinical testing. Allele origin: germline. Affected: yes. Observed: 1 variant allele.

Literature cited by the submitters: PubMed 10798642 (cited by 3billion); PubMed 21269699 (cited by Labcorp Genetics (formerly Invitae), Labcorp); PubMed 28559085 (cited by Labcorp Genetics (formerly Invitae), Labcorp).